The following is an entry in ClinVar:

ClinVar aggregate classification (germline): Uncertain significance (1 of 4 stars; one submission).

Submission:

Labcorp Genetics (formerly Invitae), Labcorp
Classification: Uncertain significance. Last evaluated: 2022-12-02. Review status: criteria provided, single submitter. Criteria: Invitae Variant Classification Sherloc (09022015). Collection method: clinical testing. Allele origin: germline.
Comment: In summary, the available evidence is currently insufficient to determine the role of this variant in disease. Therefore, it has been classified as a Variant of Uncertain Significance. Variants that disrupt the consensus splice site are a relatively common cause of aberrant splicing (PMID: 17576681, 9536098). Algorithms developed to predict the effect of sequence changes on RNA splicing suggest that this variant is not likely to affect RNA splicing. This variant has not been reported in the literature in individuals affected with RFWD3-related conditions. This variant is not present in population databases (gnomAD no frequency). This sequence change falls in intron 10 of the RFWD3 gene. It does not directly change the encoded amino acid sequence of the RFWD3 protein. It affects a nucleotide within the consensus splice site.

Literature cited by the submitters: PubMed 17576681; PubMed 9536098.

NM_018124.4(RFWD3):c.1754+6G>C

Gene: RFWD3 (ring finger and WD repeat domain 3; minus strand). Cytogenetic location: 16q23.1.
Variant type: single nucleotide variant.
Coding change: c.1754+6G>C on transcript NM_018124.4 (MANE Select); 6 bases into the intron after coding-DNA position 1754, G replaced by C.
Molecular consequence: intron variant.
Genome position (GRCh38, 1-based): chr16:74,630,775, C>G on the plus strand (G>C on the coding strand, the complement: RFWD3 is on the minus strand). VCF-style: chr16-74630775-C-G. GRCh37 (hg19) VCF-style: chr16-74664673-C-G.
Other names: c.1754+6G>C (NM_001370534.1, NM_001370535.1); c.920+6G>C (NM_001370539.1, NM_001370537.1, NM_001370543.1 and 2 more transcripts); c.1577+1748G>C (NM_001370536.1).
Identifiers: ClinVar variation 2803325 (VCV002803325.3), dbSNP rs1959069911, ClinGen allele CA2232896314.